The following is an entry in ClinVar:

NM_032578.4(MYPN):c.3385C>A (p.His1129Asn)

Gene: MYPN (myopalladin; plus strand). Cytogenetic location: 10q21.3.
Variant type: single nucleotide variant.
Coding change: c.3385C>A on transcript NM_032578.4 (MANE Select); coding-DNA position 3385, C replaced by A.
Protein change: p.His1129Asn; replaces histidine 1129 with asparagine.
Molecular consequence: missense variant. On other transcripts: non-coding transcript variant (2).
Genome position (GRCh38, 1-based): chr10:68,199,467, C>A. VCF-style: chr10-68199467-C-A. GRCh37 (hg19) VCF-style: chr10-69959224-C-A.
Other names: c.3385C>A, p.His1129Asn (NM_001256267.2); c.2503C>A, p.His835Asn (NM_001256268.2); short protein forms H1129N, H835N.
Identifiers: ClinVar variation 1369823 (VCV001369823.7), dbSNP rs952331931, ClinGen allele CA208226042.
Genomic context (GRCh38, chr10:68,199,467, plus strand): 5'-AATGGCCAACCTGTGCTACCAGATGCCTCCCACAAGATGCTGGTCAGGGAGACCGGAGTC[C>A]ACTCTCTGCTCATTGACCCACTCACTCAGCGCGACGCAGGGACCTATAAGTGCATCGCTA-3'
Protein context (NP_115967.2, residues 1119-1139): HKMLVRETGV[His1129Asn]SLLIDPLTQR

ClinVar aggregate classification (germline): Uncertain significance (1 of 4 stars; one submission).

Conditions:
Dilated cardiomyopathy 1KK (CMD1KK). Identifiers: Orphanet 154, Orphanet 75249, MedGen C3714995, MONDO:0014100, OMIM 615248.

Allele frequency attached by ClinVar (database versions not stated): gnomAD exomes below 0.00001; TOPMed below 0.00001.

Submission:

Labcorp Genetics (formerly Invitae), Labcorp
Classification: Uncertain significance for Dilated cardiomyopathy 1KK. Last evaluated: 2022-06-13. Review status: criteria provided, single submitter. Criteria: Invitae Variant Classification Sherloc (09022015). Collection method: clinical testing. Allele origin: germline.
Comment: In summary, the available evidence is currently insufficient to determine the role of this variant in disease. Therefore, it has been classified as a Variant of Uncertain Significance. This sequence change replaces histidine, which is basic and polar, with asparagine, which is neutral and polar, at codon 1129 of the MYPN protein (p.His1129Asn). This variant is not present in population databases (gnomAD no frequency). This variant has not been reported in the literature in individuals affected with MYPN-related conditions. Algorithms developed to predict the effect of missense changes on protein structure and function are either unavailable or do not agree on the potential impact of this missense change (SIFT: "Tolerated"; PolyPhen-2: "Probably Damaging"; Align-GVGD: "Class C0").